The following is an entry in ClinVar:

NM_001257291.2(SLC9A7):c.202C>T (p.Arg68Trp)

Gene: SLC9A7 (solute carrier family 9 member A7; minus strand). Cytogenetic location: Xp11.3.
Variant type: single nucleotide variant.
Coding change: c.202C>T on transcript NM_001257291.2 (MANE Select); coding-DNA position 202, C replaced by T.
Protein change: p.Arg68Trp; replaces arginine 68 with tryptophan.
Molecular consequence: missense variant.
Genome position (GRCh38, 1-based): chrX:46,758,828, G>A on the plus strand (C>T on the coding strand, the complement: SLC9A7 is on the minus strand). VCF-style: chrX-46758828-G-A. GRCh37 (hg19) VCF-style: chrX-46618263-G-A.
Other names: c.202C>T, p.Arg68Trp (NM_032591.3); short protein forms R68W.
Identifiers: ClinVar variation 3701163 (VCV003701163.2).
Genomic context (GRCh38, chrX:46,758,828, plus strand): 5'-TGGTGAGGATGGTGAGCGTGAGCAGCAGGATGAAGGTGAGCAGGCTCACGCTGTCTTGCC[G>A]GTGGCTCTCCTCCGCCTCCTTCTCAGTAGCGAGCTCCTCCATGGCGCTGCTGTCCTCCGC-3'
Protein context (NP_001244220.1, residues 58-78): ATEKEAEESH[Arg68Trp]QDSVSLLTFI

ClinVar aggregate classification (germline): Uncertain significance (1 of 4 stars; one submission).

Submission:

Labcorp Genetics (formerly Invitae), Labcorp
Classification: Uncertain significance. Last evaluated: 2024-09-16. Review status: criteria provided, single submitter. Criteria: Invitae Variant Classification Sherloc (09022015). Collection method: clinical testing. Allele origin: germline.
Comment: This sequence change replaces arginine, which is basic and polar, with tryptophan, which is neutral and slightly polar, at codon 68 of the SLC9A7 protein (p.Arg68Trp). The frequency data for this variant in the population databases is considered unreliable, as metrics indicate poor data quality at this position in the gnomAD database. This variant has not been reported in the literature in individuals affected with SLC9A7-related conditions. Invitae Evidence Modeling of protein sequence and biophysical properties (such as structural, functional, and spatial information, amino acid conservation, physicochemical variation, residue mobility, and thermodynamic stability) indicates that this missense variant is not expected to disrupt SLC9A7 protein function with a negative predictive value of 80%. In summary, the available evidence is currently insufficient to determine the role of this variant in disease. Therefore, it has been classified as a Variant of Uncertain Significance.